The following is an entry in ClinVar:

NM_000551.4(VHL):c.-50A>C

Gene: VHL (von Hippel-Lindau tumor suppressor; plus strand). Cytogenetic location: 3p25.3.
Variant type: single nucleotide variant.
Coding change: c.-50A>C on transcript NM_000551.4 (MANE Select); 50 bases upstream of the start codon, A replaced by C.
Molecular consequence: 5 prime UTR variant. On other transcripts: non-coding transcript variant (1).
Genome position (GRCh38, 1-based): chr3:10,141,798, A>C. VCF-style: chr3-10141798-A-C. GRCh37 (hg19) VCF-style: chr3-10183482-A-C.
Other names: c.-50A>C (NM_001354723.2, NM_198156.3).
Identifiers: ClinVar variation 4789953 (VCV004789953.1).

ClinVar aggregate classification (germline): Uncertain significance (1 of 4 stars; one submission).

Conditions:
Chuvash polycythemia. Also called: POLYCYTHEMIA, VHL-DEPENDENT. Identifiers: Orphanet 238557, MedGen C1837915, MONDO:0009892, OMIM 263400.
Von Hippel-Lindau syndrome (VHLS). Also called: von Hippel–Lindau syndrome; VHL syndrome; Von Hippel-Lindau. Identifiers: Orphanet 892, MedGen C0019562, MONDO:0008667, OMIM 193300. Disease mechanism: loss of function.

gnomAD v4.1: 6 of 1,533,134 alleles (0.00039%); highest among the groups gnomAD compares: African/African-American, 0.0014%; no homozygotes.

Submission:

Labcorp Genetics (formerly Invitae), Labcorp
Classification: Uncertain significance for Von Hippel-Lindau syndrome; Chuvash polycythemia. Last evaluated: 2025-10-20. Review status: criteria provided, single submitter. Criteria: Invitae Variant Classification Sherloc (09022015). Collection method: clinical testing. Allele origin: germline.
Comment: This variant occurs in a non-coding region of the VHL gene. It does not change the encoded amino acid sequence of the VHL protein. This variant is not present in population databases (gnomAD no frequency). This variant has not been reported in the literature in individuals affected with VHL-related conditions. In summary, the available evidence is currently insufficient to determine the role of this variant in disease. Therefore, it has been classified as a Variant of Uncertain Significance.